The following is an entry in ClinVar:

ClinVar aggregate classification (germline): Uncertain significance (1 of 4 stars; one submission).

gnomAD v4.1: 9 of 1,376,028 alleles (0.00065%); highest among the groups gnomAD compares: Non-Finnish European, 0.00085%; no homozygotes.

Submission:

Labcorp Genetics (formerly Invitae), Labcorp
Classification: Uncertain significance. Last evaluated: 2021-03-20. Review status: criteria provided, single submitter. Criteria: Invitae Variant Classification Sherloc (09022015). Collection method: clinical testing. Allele origin: germline.
Comment: In summary, the available evidence is currently insufficient to determine the role of this variant in disease. Therefore, it has been classified as a Variant of Uncertain Significance. Experimental studies and prediction algorithms are not available or were not evaluated, and the functional significance of this variant is currently unknown. This variant has not been reported in the literature in individuals with COL18A1-related conditions. The frequency data for this variant in the population databases is considered unreliable, as metrics indicate insufficient coverage at this position in the ExAC database. This sequence change replaces alanine with valine at codon 33 of the COL18A1 protein (p.Ala33Val). The alanine residue is weakly conserved and there is a small physicochemical difference between alanine and valine.

NM_001379500.1(COL18A1):c.98C>T (p.Ala33Val)

Genes: COL18A1 (collagen type XVIII alpha 1 chain; plus strand), BNAT1 (breast cancer associated ESR1 regulating natural antisense transcript 1; minus strand). Cytogenetic location: 21q22.3.
Variant type: single nucleotide variant.
Coding change: c.98C>T on transcript NM_001379500.1 (MANE Select); coding-DNA position 98, C replaced by T.
Protein change: p.Ala33Val; replaces alanine 33 with valine.
Molecular consequence: missense variant.
Genome position (GRCh38, 1-based): chr21:45,405,465, C>T. VCF-style: chr21-45405465-C-T. GRCh37 (hg19) VCF-style: chr21-46825380-C-T.
Other names: short protein forms A33V.
Identifiers: ClinVar variation 1517648 (VCV001517648.6), dbSNP rs2123483884, ClinGen allele CA410620481.